The following is an entry in ClinVar:

ClinVar aggregate classification (germline): Uncertain significance (1 of 4 stars; one submission).

Submission:

Labcorp Genetics (formerly Invitae), Labcorp
Classification: Uncertain significance. Last evaluated: 2022-03-26. Review status: criteria provided, single submitter. Criteria: Invitae Variant Classification Sherloc (09022015). Collection method: clinical testing. Allele origin: germline.
Comment: This variant, c.32_33ins42, results in the insertion of 14 amino acid(s) of the RASA2 protein (p.Ala11_Ser12ins14), but otherwise preserves the integrity of the reading frame. This variant is not present in population databases (gnomAD no frequency). This variant has not been reported in the literature in individuals affected with RASA2-related conditions. Experimental studies and prediction algorithms are not available or were not evaluated, and the functional significance of this variant is currently unknown. In summary, the available evidence is currently insufficient to determine the role of this variant in disease. Therefore, it has been classified as a Variant of Uncertain Significance.

NM_006506.5(RASA2):c.12GGCGCCTGCTGCTGCGGCGGC[3] (p.5APAAAAA[3])

Genes: RASA2 (RAS p21 protein activator 2; plus strand), LOC129937686 (ATAC-STARR-seq lymphoblastoid silent region 14777; plus strand). Cytogenetic location: 3q23.
Variant type: Microsatellite.
Coding change: c.12GGCGCCTGCTGCTGCGGCGGC[3] on transcript NM_006506.5 (MANE Select); three copies in a row of the 21-base unit GGCGCCTGCTGCTGCGGCGGC starting at c.12.
Protein change: p.5APAAAAA[3].
Molecular consequence: inframe insertion.
Genome position: GRCh38, VCF-style position (the base before the change): chr3:141,487,086. GRCh37 (hg19), VCF-style position (the base before the change): chr3:141,205,928.
Other names: c.12GGCGCCTGCTGCTGCGGCGGC[3], p.5APAAAAA[3] (NM_001303245.3, NM_001303246.3).
Identifiers: ClinVar variation 1416563 (VCV001416563.6), dbSNP rs1194909078, ClinGen allele CA1054272797.